The following is an entry in ClinVar:

NM_181078.3(IL21R):c.787C>A (p.Leu263Ile)

Gene: IL21R (interleukin 21 receptor; plus strand). Cytogenetic location: 16p12.1.
Variant type: single nucleotide variant.
Coding change: c.787C>A on transcript NM_181078.3 (MANE Select); coding-DNA position 787, C replaced by A.
Protein change: p.Leu263Ile; replaces leucine 263 with isoleucine.
Molecular consequence: missense variant.
Genome position (GRCh38, 1-based): chr16:27,446,008, C>A. VCF-style: chr16-27446008-C-A. GRCh37 (hg19) VCF-style: chr16-27457329-C-A.
Other names: c.787C>A, p.Leu263Ile (NM_021798.4); c.853C>A, p.Leu285Ile (NM_181079.5); c.853C>A (NM_181079.4); short protein forms L285I, L263I.
Identifiers: ClinVar variation 2116861 (VCV002116861.2), dbSNP rs1423201047, ClinGen allele CA16040377.
Genomic context (GRCh38, chr16:27,446,008, plus strand): 5'-TGGGAGGCCAGGCTGCCCTCTGGTGATGTCAGGGTCCTCACCCCTCTCTGCCCCCTCAGG[C>A]TATGGAAGAAGATATGGGCCGTCCCCAGCCCTGAGCGGTTCTTCATGCCCCTGTACAAGG-3'
Protein context (NP_851564.1, residues 253-273): WSLKTHPLWR[Leu263Ile]WKKIWAVPSP

ClinVar aggregate classification (germline): Uncertain significance. Review status: criteria provided, multiple submitters, no conflicts (2 of 4 stars). 2 submissions from 2 submitters: Uncertain significance (2). Last evaluated 2025-12-15.

Conditions:
Inborn genetic diseases. Identifiers: MedGen C0950123, MeSH D030342.
Cryptosporidiosis-chronic cholangitis-liver disease syndrome. Also called: IL21R immunodeficiency; Immunodeficiency type 56. Identifiers: Orphanet 357329, MedGen C3554687, MONDO:0014082, OMIM 615207.

Allele frequency attached by ClinVar (database versions not stated): TOPMed below 0.00001; gnomAD 0.00001.
gnomAD v4.1: 2 of 1,612,072 alleles (0.00012%); highest among the groups gnomAD compares: Admixed American, 0.0033%; no homozygotes.

Submissions (2):

Ambry Genetics
Classification: Uncertain significance for Inborn genetic diseases. Last evaluated: 2025-12-15. Review status: criteria provided, single submitter. Criteria: Ambry Variant Classification Scheme 2023. Collection method: clinical testing. Allele origin: germline.

Labcorp Genetics (formerly Invitae), Labcorp
Classification: Uncertain significance for Cryptosporidiosis-chronic cholangitis-liver disease syndrome. Last evaluated: 2022-04-29. Review status: criteria provided, single submitter. Criteria: Invitae Variant Classification Sherloc (09022015). Collection method: clinical testing. Allele origin: germline.
Comment: This sequence change replaces leucine, which is neutral and non-polar, with isoleucine, which is neutral and non-polar, at codon 263 of the IL21R protein (p.Leu263Ile). This variant is not present in population databases (gnomAD no frequency). This variant has not been reported in the literature in individuals affected with IL21R-related conditions. Algorithms developed to predict the effect of missense changes on protein structure and function (SIFT, PolyPhen-2, Align-GVGD) all suggest that this variant is likely to be tolerated. In summary, the available evidence is currently insufficient to determine the role of this variant in disease. Therefore, it has been classified as a Variant of Uncertain Significance.